The following is an entry in ClinVar:

NM_001754.5(RUNX1):c.751G>A (p.Ala251Thr)

Gene: RUNX1 (RUNX family transcription factor 1; minus strand). Cytogenetic location: 21q22.12.
Variant type: single nucleotide variant.
Coding change: c.751G>A on transcript NM_001754.5 (MANE Select); coding-DNA position 751, G replaced by A.
Protein change: p.Ala251Thr; replaces alanine 251 with threonine.
Molecular consequence: missense variant.
Genome position (GRCh38, 1-based): chr21:34,834,464, C>T on the plus strand (G>A on the coding strand, the complement: RUNX1 is on the minus strand). VCF-style: chr21-34834464-C-T. GRCh37 (hg19) VCF-style: chr21-36206761-C-T.
Other names: c.670G>A, p.Ala224Thr (NM_001001890.3, NM_001122607.2); short protein forms A224T, A251T.
Identifiers: ClinVar variation 4629705 (VCV004629705.1).

ClinVar aggregate classification (germline): Uncertain significance (1 of 4 stars; one submission).

Conditions:
Inborn genetic diseases. Identifiers: MedGen C0950123, MeSH D030342.

gnomAD v4.1: 2 of 1,612,016 alleles (0.00012%); highest among the groups gnomAD compares: Middle Eastern, 0.017%; no homozygotes.

Submission:

Ambry Genetics
Classification: Uncertain significance for Inborn genetic diseases. Last evaluated: 2025-11-14. Review status: criteria provided, single submitter. Criteria: Ambry Variant Classification Scheme 2023. Collection method: clinical testing. Allele origin: germline.
Comment: The p.A251T variant (also known as c.751G>A), located in coding exon 6 of the RUNX1 gene, results from a G to A substitution at nucleotide position 751. The alanine at codon 251 is replaced by threonine, an amino acid with similar properties. This amino acid position is well conserved in available vertebrate species. In addition, the in silico prediction for this alteration is inconclusive. Based on the available evidence, the clinical significance of this variant remains unclear.